The following is an entry in ClinVar:

NM_001282426.2(PIK3CG):c.2025C>T (p.Ser675=)

Gene: PIK3CG (phosphatidylinositol-4,5-bisphosphate 3-kinase catalytic subunit gamma; plus strand). Cytogenetic location: 7q22.3.
Variant type: single nucleotide variant.
Coding change: c.2025C>T on transcript NM_001282426.2 (MANE Select); coding-DNA position 2025, C replaced by T.
Protein change: p.Ser675=; no amino-acid change (serine 675 retained).
Molecular consequence: synonymous variant.
Genome position (GRCh38, 1-based): chr7:106,872,566, C>T. VCF-style: chr7-106872566-C-T. GRCh37 (hg19) VCF-style: chr7-106513011-C-T.
Other names: c.2025C>T, p.Ser675= (NM_001282427.2, NM_002649.3).
Identifiers: ClinVar variation 2688365 (VCV002688365.3), dbSNP rs1129293, ClinGen allele CA4429473.
Genomic context (GRCh38, chr7:106,872,566, plus strand): 5'-TCCTACAAATGCCAATGTGTTCTTCCTTTAGGCTGTGAAATTTGAACCATACCATGATAG[C>T]GCCCTTGCCAGATTTCTGCTGAAGCGTGGTTTAAGAGTAAGTACTTCCATTTTGATAATA-3'
Protein context (NP_001269355.1, residues 665-685): QAVKFEPYHD[Ser675=]ALARFLLKRG

ClinVar aggregate classification (germline): Benign. Review status: criteria provided, multiple submitters, no conflicts (2 of 4 stars). 2 submissions from 2 submitters: Benign (2). Last evaluated 2026-01-21.

Allele frequency attached by ClinVar (database versions not stated): ESP Exome Variant Server 0.23889; 1000 Genomes Project 30x 0.25047; 1000 Genomes Project 0.25379; gnomAD 0.26029; TOPMed 0.26083; gnomAD exomes 0.30266; ExAC 0.31041.
gnomAD v4.1: 479,032 of 1,609,000 alleles (30%); highest among the groups gnomAD compares: Admixed American, 46%; 74,985 homozygotes.

Submissions (2):

Women's Health and Genetics/Laboratory Corporation of America, LabCorp
Classification: Benign. Last evaluated: 2026-01-21. Review status: criteria provided, single submitter. Criteria: LabCorp Variant Classification Summary - May 2015. Collection method: clinical testing. Allele origin: germline.

Unidad de Genómica Garrahan, Hospital de Pediatría Garrahan
Classification: Benign. Last evaluated: 2024-01-24. Review status: criteria provided, single submitter. Criteria: ACMG Guidelines, 2015. Collection method: clinical testing. Allele origin: germline. Affected: no. Observed: 67 variant alleles.
Comment: This variant is classified as Benign based on local population frequency. This variant was detected in 76% of patients studied by a panel of primary immunodeficiencies. Number of patients: 67. Only high quality variants are reported.